The following is an entry in ClinVar:

NM_001080517.3(SETD5):c.3725_3727dup (p.Leu1242_Gln1243insLeu)

Gene: SETD5 (SET domain containing 5; plus strand). Cytogenetic location: 3p25.3.
Variant type: Duplication.
Coding change: c.3725_3727dup on transcript NM_001080517.3 (MANE Select); coding-DNA positions 3725 to 3727, 3 bases duplicated (TGC; older notation c.3725_3727dupTGC).
Protein change: p.Leu1242_Gln1243insLeu.
Molecular consequence: inframe insertion.
Genome position (GRCh38, 1-based): chr3:9,475,487-9,475,489, TGC duplicated; duplicating any 3 consecutive bases within chr3:9,475,486-9,475,489 gives the same sequence; the c. name uses the placement nearest the transcript's 3' end. VCF-style (leftmost placement, unchanged base first): chr3-9475485-C-CCTG. GRCh37 (hg19) VCF-style: chr3-9517169-C-CCTG.
Other names: c.3431_3433dup, p.Leu1144_Gln1145insLeu (NM_001292043.2, NM_001349451.2).
Identifiers: ClinVar variation 2573795 (VCV002573795.1), dbSNP rs2473976911, ClinGen allele CA2580614130.

ClinVar aggregate classification (germline): Uncertain significance (1 of 4 stars; one submission).

Submission:

GeneDx
Classification: Uncertain significance. Last evaluated: 2023-01-20. Review status: criteria provided, single submitter. Criteria: GeneDx Variant Classification Process June 2021. Collection method: clinical testing. Allele origin: germline. Affected: yes.
Comment: Not observed at significant frequency in large population cohorts (gnomAD); In-frame duplication of 1 amino acid in a non-repeat region; In silico analysis is inconclusive as to whether the variant alters gene splicing. In the absence of RNA/functional studies, the actual effect of this sequence change is unknown.; Has not been previously published as pathogenic or benign to our knowledge